The following is an entry in ClinVar:

NM_001375567.1(FOCAD):c.4133-4A>G

Gene: FOCAD (focadhesin; plus strand). Cytogenetic location: 9p21.3.
Variant type: single nucleotide variant.
Coding change: c.4133-4A>G on transcript NM_001375567.1 (MANE Select); 4 bases into the intron before coding-DNA position 4133, A replaced by G.
Molecular consequence: intron variant.
Genome position (GRCh38, 1-based): chr9:20,976,416, A>G. VCF-style: chr9-20976416-A-G. GRCh37 (hg19) VCF-style: chr9-20976415-A-G.
Other names: c.4133-4A>G (NM_017794.5); c.4028-4A>G (NM_001375568.1, NM_001375570.1).
Identifiers: ClinVar variation 3351486 (VCV003351486.1).
Genomic context (GRCh38, chr9:20,976,416, plus strand): 5'-GGCATTTTCCACTTCCATGATAGTATGCAGGTGTTTTACTATTATTTTTCACTGTCTGTT[A>G]TAGGTCCTGAATCTGTGCCTCCTTCCCTTCTTAAAGTAGTGATGAAACCCATAGCAACTG-3'

ClinVar aggregate classification (germline): Likely benign (0 of 4 stars; one submission).

Conditions:
FOCAD-related disorder. Also called: FOCAD-related condition.

gnomAD v4.1: 49 of 1,612,460 alleles (0.003%); highest among the groups gnomAD compares: Admixed American, 0.0083%; no homozygotes.

Submission:

PreventionGenetics, part of Exact Sciences
Classification: Likely benign for FOCAD-related condition. Last evaluated: 2024-06-04. Review status: no assertion criteria provided. Collection method: clinical testing. Allele origin: germline.
Comment: This variant is classified as likely benign based on ACMG/AMP sequence variant interpretation guidelines (Richards et al. 2015 PMID: 25741868, with internal and published modifications).